The following is an entry in ClinVar:

ClinVar aggregate classification (germline): Likely benign (0 of 4 stars; one submission).

Conditions:
MUC16-related disorder. Also called: MUC16-related condition.

Allele frequency attached by ClinVar (database versions not stated): gnomAD exomes 0.00007; gnomAD 0.00010; 1000 Genomes Project 30x 0.00016; TOPMed 0.00017; 1000 Genomes Project 0.00020; ExAC 0.00036.

Submission:

PreventionGenetics, part of Exact Sciences
Classification: Likely benign for MUC16-related condition. Last evaluated: 2019-03-29. Review status: no assertion criteria provided. Collection method: clinical testing. Allele origin: germline.
Comment: This variant is classified as likely benign based on ACMG/AMP sequence variant interpretation guidelines (Richards et al. 2015 PMID: 25741868, with internal and published modifications).

NM_001401501.2(MUC16):c.30443G>A (p.Gly10148Glu)

Gene: MUC16 (mucin 16, cell surface associated; minus strand). Cytogenetic location: 19p13.2.
Variant type: single nucleotide variant.
Coding change: c.30443G>A on transcript NM_001401501.2 (MANE Select); coding-DNA position 30443, G replaced by A.
Protein change: p.Gly10148Glu; replaces glycine 10148 with glutamic acid.
Molecular consequence: missense variant.
Genome position (GRCh38, 1-based): chr19:8,946,447, C>T on the plus strand (G>A on the coding strand, the complement: MUC16 is on the minus strand). VCF-style: chr19-8946447-C-T. GRCh37 (hg19) VCF-style: chr19-9057123-C-T.
Other names: c.30869G>A, p.Gly10290Glu (NM_001414686.1); c.30323G>A, p.Gly10108Glu (NM_001414687.1, NM_024690.2); short protein forms G10108E, G10148E, G10290E.
Identifiers: ClinVar variation 3047321 (VCV003047321.2), dbSNP rs576373499, ClinGen allele CA9167134.